The following is an entry in ClinVar:

ClinVar aggregate classification (germline): Uncertain significance (1 of 4 stars; one submission).

Conditions:
Pseudohypoaldosteronism type 2C (PHA2C). Also called: Pseudohypoaldosteronism Type IIC. Identifiers: Orphanet 757, Orphanet 88940, MedGen C1840391, MONDO:0013778, OMIM 614492.
Neuropathy, hereditary sensory and autonomic, type 2A (HSAN2A). Also called: ACROOSTEOLYSIS, GIACCAI TYPE; ACROOSTEOLYSIS, NEUROGENIC; MORVAN DISEASE; NEUROPATHY, CONGENITAL SENSORY; NEUROPATHY, HEREDITARY SENSORY RADICULAR, AUTOSOMAL RECESSIVE; HSAN IIA. Identifiers: Orphanet 970, MedGen C2752089, MONDO:0024309, OMIM 201300.

Submission:

Labcorp Genetics (formerly Invitae), Labcorp
Classification: Uncertain significance for Neuropathy, hereditary sensory and autonomic, type 2A; Pseudohypoaldosteronism type 2C. Last evaluated: 2022-08-21. Review status: criteria provided, single submitter. Criteria: Invitae Variant Classification Sherloc (09022015). Collection method: clinical testing. Allele origin: germline.
Comment: In summary, the available evidence is currently insufficient to determine the role of this variant in disease. Therefore, it has been classified as a Variant of Uncertain Significance. Experimental studies and prediction algorithms are not available or were not evaluated, and the functional significance of this variant is currently unknown. This variant has not been reported in the literature in individuals affected with WNK1-related conditions. This variant is not present in population databases (gnomAD no frequency). This variant, c.2117_2119del, results in the deletion of 1 amino acid(s) of the WNK1 protein (p.Gly706del), but otherwise preserves the integrity of the reading frame.

NM_018979.4(WNK1):c.2117_2119del (p.Gly706del)

Gene: WNK1 (WNK lysine deficient protein kinase 1; plus strand). Cytogenetic location: 12p13.33.
Variant type: Deletion.
Coding change: c.2117_2119del on transcript NM_018979.4 (MANE Select); coding-DNA positions 2117 to 2119, 3 bases deleted (GGG; older notation c.2117_2119delGGG).
Protein change: p.Gly706del; deletes glycine 706.
Molecular consequence: inframe deletion.
Genome position (GRCh38, 1-based): chr12:862,248-862,250, GGG deleted; deleting any 3 consecutive bases within chr12:862,247-862,250 gives the same sequence; the c. name uses the placement nearest the transcript's 3' end. VCF-style (leftmost placement, unchanged base first): chr12-862246-TGGG-T. GRCh37 (hg19) VCF-style: chr12-971412-TGGG-T.
Other names: c.2117_2119del, p.Gly706del (NM_014823.3, NM_213655.5, NM_001184985.2); short protein forms G706del.
Identifiers: ClinVar variation 1922298 (VCV001922298.5), dbSNP rs2548680752, ClinGen allele CA2580086217.
Genomic context (GRCh38, chr12:862,246, plus strand): 5'-TTCTACAGGCACAGTCCCAGGGCATATACCTTCTACTGTCCAAGCACAGTCTCAGCCCCA[TGGG>T]GTATATCCACCCTCAAGTGTGGTAAGTAAATGCTTAAGAGCATGTAATACTACAATGAGA-3'